The following is an entry in ClinVar:

NM_018979.4(WNK1):c.1952-3C>T

Gene: WNK1 (WNK lysine deficient protein kinase 1; plus strand). Cytogenetic location: 12p13.33.
Variant type: single nucleotide variant.
Coding change: c.1952-3C>T on transcript NM_018979.4 (MANE Select); 3 bases into the intron before coding-DNA position 1952, C replaced by T.
Molecular consequence: intron variant.
Genome position (GRCh38, 1-based): chr12:862,080, C>T. VCF-style: chr12-862080-C-T. GRCh37 (hg19) VCF-style: chr12-971246-C-T.
Other names: c.1952-3C>T (NM_213655.5, NM_001184985.2, NM_014823.3).
Identifiers: ClinVar variation 3751045 (VCV003751045.2).

ClinVar aggregate classification (germline): Uncertain significance (1 of 4 stars; one submission).

Conditions:
Neuropathy, hereditary sensory and autonomic, type 2A (HSAN2A). Also called: ACROOSTEOLYSIS, GIACCAI TYPE; ACROOSTEOLYSIS, NEUROGENIC; MORVAN DISEASE; NEUROPATHY, CONGENITAL SENSORY; NEUROPATHY, HEREDITARY SENSORY RADICULAR, AUTOSOMAL RECESSIVE; NEUROPATHY, HEREDITARY SENSORY, TYPE IIA. Identifiers: Orphanet 970, MedGen C2752089, MONDO:0024309, OMIM 201300.
Pseudohypoaldosteronism type 2C (PHA2C). Also called: Pseudohypoaldosteronism Type IIC. Identifiers: Orphanet 757, Orphanet 88940, MedGen C1840391, MONDO:0013778, OMIM 614492.

Submission:

Labcorp Genetics (formerly Invitae), Labcorp
Classification: Uncertain significance for Neuropathy, hereditary sensory and autonomic, type 2A; Pseudohypoaldosteronism type 2C. Last evaluated: 2024-07-11. Review status: criteria provided, single submitter. Criteria: Invitae Variant Classification Sherloc (09022015). Collection method: clinical testing. Allele origin: germline.
Comment: This sequence change falls in intron 7 of the WNK1 gene. It does not directly change the encoded amino acid sequence of the WNK1 protein. It affects a nucleotide within the consensus splice site. This variant is not present in population databases (gnomAD no frequency). This variant has not been reported in the literature in individuals affected with WNK1-related conditions. Variants that disrupt the consensus splice site are a relatively common cause of aberrant splicing (PMID: 17576681, 9536098). Algorithms developed to predict the effect of sequence changes on RNA splicing suggest that this variant is not likely to affect RNA splicing. In summary, the available evidence is currently insufficient to determine the role of this variant in disease. Therefore, it has been classified as a Variant of Uncertain Significance.

Literature cited by the submitters: PubMed 17576681; PubMed 9536098.